The following is an entry in ClinVar:

NM_173689.7(CRB2):c.3204C>T (p.Asp1068=)

Gene: CRB2 (crumbs cell polarity complex component 2; plus strand). Cytogenetic location: 9q33.3.
Variant type: single nucleotide variant.
Coding change: c.3204C>T on transcript NM_173689.7 (MANE Select); coding-DNA position 3204, C replaced by T.
Protein change: p.Asp1068=; no amino-acid change (aspartic acid 1068 retained).
Molecular consequence: synonymous variant. On other transcripts: non-coding transcript variant (1).
Genome position (GRCh38, 1-based): chr9:123,373,735, C>T. VCF-style: chr9-123373735-C-T. GRCh37 (hg19) VCF-style: chr9-126136014-C-T.
Identifiers: ClinVar variation 718172 (VCV000718172.28), dbSNP rs377347664, ClinGen allele CA5232387.

ClinVar aggregate classification (germline): Benign/Likely benign. Review status: criteria provided, multiple submitters, no conflicts (2 of 4 stars). 5 submissions from 5 submitters: Benign (1); Likely benign (2). 2 of the submissions do not count toward it. Last evaluated 2026-01-04.

Allele frequency attached by ClinVar (database versions not stated): 1000 Genomes Project 0.00040; 1000 Genomes Project 30x 0.00047; ESP Exome Variant Server 0.00111; gnomAD exomes 0.00115 and 0.00203; gnomAD 0.00128 and 0.00141; TOPMed 0.00157; ExAC 0.00166.
gnomAD v4.1: 3,078 of 1,576,818 alleles (0.2%); highest among the groups gnomAD compares: Non-Finnish European, 0.24%; 7 homozygotes.

Submissions (5):

Labcorp Genetics (formerly Invitae), Labcorp
Classification: Benign. Last evaluated: 2026-01-04. Review status: criteria provided, single submitter. Criteria: Invitae Variant Classification Sherloc (09022015). Collection method: clinical testing. Allele origin: germline.

CeGaT Center for Human Genetics Tuebingen
Classification: Likely benign. Last evaluated: 2025-01-01. Review status: criteria provided, single submitter. Criteria: CeGaT Center For Human Genetics Tuebingen Variant Classification Criteria Version 2. Collection method: clinical testing. Allele origin: germline. Affected: yes. Observed: 2 variant alleles.
Comment: CRB2: BP4, BP7

Blueprint Genetics
Classification: Likely benign. Last evaluated: 2024-11-27. Review status: criteria provided, single submitter. Criteria: ACMG Guidelines, 2015. Collection method: clinical testing. Allele origin: germline.

Clinical Genetics DNA and cytogenetics Diagnostics Lab, Erasmus MC, Erasmus Medical Center
Classification: Likely benign. Review status: no assertion criteria provided. Collection method: clinical testing. Allele origin: germline. Affected: yes. Study: VKGL Data-share Consensus. Not counted in ClinVar's aggregate classification.

Genome Diagnostics Laboratory, University Medical Center Utrecht
Classification: Likely benign. Review status: no assertion criteria provided. Collection method: clinical testing. Allele origin: germline. Affected: yes. Study: VKGL Data-share Consensus. Not counted in ClinVar's aggregate classification.